The following is an entry in ClinVar:

NM_013275.6(ANKRD11):c.744+320C>T

Gene: ANKRD11 (ankyrin repeat domain 11; minus strand). Cytogenetic location: 16q24.3.
Variant type: single nucleotide variant.
Coding change: c.744+320C>T on transcript NM_013275.6 (MANE Select); 320 bases into the intron after coding-DNA position 744, C replaced by T.
Molecular consequence: intron variant.
Genome position (GRCh38, 1-based): chr16:89,288,208, G>A on the plus strand (C>T on the coding strand, the complement: ANKRD11 is on the minus strand). VCF-style: chr16-89288208-G-A. GRCh37 (hg19) VCF-style: chr16-89354616-G-A.
Other names: c.744+320C>T (NM_001256183.2, NM_001256182.2).
Identifiers: ClinVar variation 2647094 (VCV002647094.24), dbSNP rs114407165, ClinGen allele CA286524783.

ClinVar aggregate classification (germline): Benign (1 of 4 stars; one submission).

Allele frequency attached by ClinVar (database versions not stated): gnomAD exomes 0.00030; 1000 Genomes Project 30x 0.00141; 1000 Genomes Project 0.00160; gnomAD 0.00187.
gnomAD v4.1: 432 of 610,370 alleles (0.071%); highest among the groups gnomAD compares: African/African-American, 0.68%; 1 homozygote.

Submission:

CeGaT Center for Human Genetics Tuebingen
Classification: Benign. Last evaluated: 2022-05-01. Review status: criteria provided, single submitter. Criteria: CeGaT Center For Human Genetics Tuebingen Variant Classification Criteria Version 2. Collection method: clinical testing. Allele origin: germline. Affected: yes. Observed: 1 variant allele.
Comment: ANKRD11: BS1, BS2